The following is an entry in ClinVar:

NM_001379110.1(SLC9A6):c.2011T>G (p.Leu671Val)

Gene: SLC9A6 (solute carrier family 9 member A6; plus strand). Cytogenetic location: Xq26.3.
Variant type: single nucleotide variant.
Coding change: c.2011T>G on transcript NM_001379110.1 (MANE Select); coding-DNA position 2011, T replaced by G.
Protein change: p.Leu671Val; replaces leucine 671 with valine.
Molecular consequence: missense variant.
Genome position (GRCh38, 1-based): chrX:136,044,695, T>G. VCF-style: chrX-136044695-T-G. GRCh37 (hg19) VCF-style: chrX-135126854-T-G.
Other names: c.2077T>G, p.Leu693Val (NM_001042537.2); c.1921T>G, p.Leu641Val (NM_001177651.2, NM_001400909.1, NM_001400910.1 and 2 more transcripts); c.1825T>G, p.Leu609Val (NM_001330652.2, NM_001400913.1); c.1981T>G, p.Leu661Val (NM_006359.3); short protein forms L609V, L641V, L693V, L661V, L671V.
Identifiers: ClinVar variation 3663354 (VCV003663354.2).

ClinVar aggregate classification (germline): Uncertain significance (1 of 4 stars; one submission).

Conditions:
Christianson syndrome (MRXSCH). Also called: X-linked mental retardation, syndromic, Christianson type; SLC9A6-Related Syndromic Mental Retardation; INTELLECTUAL DEVELOPMENTAL DISORDER, X-LINKED, SYNDROMIC, CHRISTIANSON TYPE. Identifiers: Orphanet 85278, MedGen C2678194, MONDO:0010278, OMIM 300243.

Submission:

Labcorp Genetics (formerly Invitae), Labcorp
Classification: Uncertain significance for Christianson syndrome. Last evaluated: 2024-08-24. Review status: criteria provided, single submitter. Criteria: Invitae Variant Classification Sherloc (09022015). Collection method: clinical testing. Allele origin: germline.
Comment: This sequence change replaces leucine, which is neutral and non-polar, with valine, which is neutral and non-polar, at codon 661 of the SLC9A6 protein (p.Leu661Val). This variant is not present in population databases (gnomAD no frequency). This variant has not been reported in the literature in individuals affected with SLC9A6-related conditions. An algorithm developed to predict the effect of missense changes on protein structure and function (PolyPhen-2) suggests that this variant is likely to be tolerated. Algorithms developed to predict the effect of sequence changes on RNA splicing suggest that this variant may create or strengthen a splice site. In summary, the available evidence is currently insufficient to determine the role of this variant in disease. Therefore, it has been classified as a Variant of Uncertain Significance.